The following is an entry in ClinVar:

ClinVar aggregate classification (germline): Conflicting classifications of pathogenicity. Review status: criteria provided, conflicting classifications (1 of 4 stars). 2 submissions from 2 submitters: Uncertain significance (1); Likely benign (1). Last evaluated 2025-04-24.

Conditions:
Charcot-Marie-Tooth disease type 2. Also called: Charcot-Marie-Tooth type 2. Identifiers: Orphanet 64746, MedGen C0270914, MONDO:0018993.

Allele frequency attached by ClinVar (database versions not stated): gnomAD exomes 0.00001.
gnomAD v4.1: 11 of 1,614,088 alleles (0.00068%); highest among the groups gnomAD compares: Non-Finnish European, 0.00093%; no homozygotes.

Submissions (2):

Ambry Genetics
Classification: Likely benign. Last evaluated: 2025-04-24. Review status: criteria provided, single submitter. Criteria: Ambry Variant Classification Scheme 2023. Collection method: clinical testing. Allele origin: germline.

Labcorp Genetics (formerly Invitae), Labcorp
Classification: Uncertain significance for Charcot-Marie-Tooth disease type 2. Last evaluated: 2024-08-08. Review status: criteria provided, single submitter. Criteria: Invitae Variant Classification Sherloc (09022015). Collection method: clinical testing. Allele origin: germline.
Comment: This sequence change replaces serine, which is neutral and polar, with proline, which is neutral and non-polar, at codon 1576 of the KIF1B protein (p.Ser1576Pro). This variant is not present in population databases (gnomAD no frequency). This variant has not been reported in the literature in individuals affected with KIF1B-related conditions. ClinVar contains an entry for this variant (Variation ID: 1742691). An algorithm developed to predict the effect of missense changes on protein structure and function (PolyPhen-2) suggests that this variant is likely to be tolerated. In summary, the available evidence is currently insufficient to determine the role of this variant in disease. Therefore, it has been classified as a Variant of Uncertain Significance.

NM_001365951.3(KIF1B):c.4864T>C (p.Ser1622Pro)

Gene: KIF1B (kinesin family member 1B; plus strand). Cytogenetic location: 1p36.22.
Variant type: single nucleotide variant.
Coding change: c.4864T>C on transcript NM_001365951.3 (MANE Select); coding-DNA position 4864, T replaced by C.
Protein change: p.Ser1622Pro; replaces serine 1622 with proline.
Molecular consequence: missense variant.
Genome position (GRCh38, 1-based): chr1:10,371,180, T>C. VCF-style: chr1-10371180-T-C. GRCh37 (hg19) VCF-style: chr1-10431238-T-C.
Other names: c.4864T>C, p.Ser1622Pro (NM_001365952.1); c.4726T>C, p.Ser1576Pro (NM_015074.3); short protein forms S1622P, S1576P.
Identifiers: ClinVar variation 1742691 (VCV001742691.6), dbSNP rs2521951908, ClinGen allele CA338327433.